The following is an entry in ClinVar:

ClinVar aggregate classification (germline): Uncertain significance (1 of 4 stars; one submission).

Conditions:
KSR2-related disorder. Also called: KSR2-related condition.

gnomAD v4.1: 2 of 1,609,956 alleles (0.00012%); highest among the groups gnomAD compares: African/African-American, 0.0027%; no homozygotes.

Submission:

PreventionGenetics, part of Exact Sciences
Classification: Uncertain significance for KSR2-related condition. Last evaluated: 2025-02-13. Review status: criteria provided, single submitter. Criteria: ACMG Guidelines, 2015. Collection method: clinical testing. Allele origin: germline.
Comment: The KSR2 c.767T>C variant is predicted to result in the amino acid substitution p.Leu256Pro. To our knowledge, this variant has not been reported in the literature or in a large population database (gnomAD), indicating this variant is rare. At this time, the clinical significance of this variant is uncertain due to the absence of conclusive functional and genetic evidence.

NM_173598.6(KSR2):c.854T>C (p.Leu285Pro)

Gene: KSR2 (kinase suppressor of ras 2; minus strand). Cytogenetic location: 12q24.23.
Variant type: single nucleotide variant.
Coding change: c.854T>C on transcript NM_173598.6 (MANE Select); coding-DNA position 854, T replaced by C.
Protein change: p.Leu285Pro; replaces leucine 285 with proline.
Molecular consequence: missense variant.
Genome position (GRCh38, 1-based): chr12:117,761,143, A>G on the plus strand (T>C on the coding strand, the complement: KSR2 is on the minus strand). VCF-style: chr12-117761143-A-G. GRCh37 (hg19) VCF-style: chr12-118198948-A-G.
Other names: short protein forms L285P.
Identifiers: ClinVar variation 5000568 (VCV005000568.1).